The following is an entry in ClinVar:

ClinVar aggregate classification (germline): Uncertain significance (1 of 4 stars; one submission).

Conditions:
Aortic aneurysm, familial thoracic 4 (AAT4). Also called: AORTIC ANEURYSM/AORTIC DISSECTION AND PATENT DUCTUS ARTERIOSUS. Identifiers: MedGen C1851504, MONDO:0007568, OMIM 132900.

Submission:

Labcorp Genetics (formerly Invitae), Labcorp
Classification: Uncertain significance for Aortic aneurysm, familial thoracic 4. Last evaluated: 2023-05-30. Review status: criteria provided, single submitter. Criteria: Invitae Variant Classification Sherloc (09022015). Collection method: clinical testing. Allele origin: germline.
Comment: In summary, the available evidence is currently insufficient to determine the role of this variant in disease. Therefore, it has been classified as a Variant of Uncertain Significance. Advanced modeling of protein sequence and biophysical properties (such as structural, functional, and spatial information, amino acid conservation, physicochemical variation, residue mobility, and thermodynamic stability) performed at Invitae indicates that this missense variant is not expected to disrupt MYH11 protein function. This variant has not been reported in the literature in individuals affected with MYH11-related conditions. This variant is not present in population databases (gnomAD no frequency). This sequence change replaces glutamine, which is neutral and polar, with histidine, which is basic and polar, at codon 334 of the MYH11 protein (p.Gln334His).

NM_002474.3(MYH11):c.981G>C (p.Gln327His)

Gene: MYH11 (myosin heavy chain 11; minus strand). Cytogenetic location: 16p13.11.
Variant type: single nucleotide variant.
Coding change: c.981G>C on transcript NM_002474.3 (MANE Select); coding-DNA position 981, G replaced by C.
Protein change: p.Gln327His; replaces glutamine 327 with histidine.
Molecular consequence: missense variant.
Genome position (GRCh38, 1-based): chr16:15,771,621, C>G on the plus strand (G>C on the coding strand, the complement: MYH11 is on the minus strand). VCF-style: chr16-15771621-C-G. GRCh37 (hg19) VCF-style: chr16-15865478-C-G.
Other names: c.1002G>C, p.Gln334His (NM_001040113.2, NM_001040114.2); c.981G>C, p.Gln327His (NM_022844.3); short protein forms Q327H, Q334H.
Identifiers: ClinVar variation 2749440 (VCV002749440.3), dbSNP rs2506504061, ClinGen allele CA394867759.